The following is an entry in ClinVar:

ClinVar aggregate classification (germline): Likely pathogenic. Review status: criteria provided, multiple submitters, no conflicts (2 of 4 stars). 2 submissions from 2 submitters: Likely pathogenic (2). Last evaluated 2025-05-20.

Conditions:
Aromatase deficiency. Also called: Increased aromatase activity; PSEUDOHERMAPHRODITISM, FEMALE, DUE TO PLACENTAL AROMATASE DEFICIENCY. Identifiers: Orphanet 91, MedGen C1960539, MONDO:0013301, OMIM 613546.
Aromatase excess syndrome (AEXS). Also called: GYNECOMASTIA, HEREDITARY; Familial gynecomastia, due to increased aromatase activity; AROMATASE ACTIVITY, INCREASED. Identifiers: Orphanet 178345, MedGen C1970109, MONDO:0007690, OMIM 139300.

Submissions (2):

Natera, Inc.
Classification: Likely pathogenic for Aromatase deficiency. Last evaluated: 2025-05-20. Review status: criteria provided, single submitter. Criteria: Natera Variant Classification Schema (03/2026). Collection method: clinical testing. Allele origin: germline.
Comment: The c.724A>T variant in CYP19A1 is a nonsense variant predicted to introduce a stop codon at amino acid 242. This variant is expected to result in nonsense mediated decay, truncation, or a dysfunctional protein product. This variant is rare in the general population with a frequency below the threshold expected for the associated phenotype(s). Given the available evidence, this variant is classified as Likely Pathogenic.

Fulgent Genetics
Classification: Likely pathogenic for Aromatase excess syndrome; Aromatase deficiency. Last evaluated: 2024-01-29. Review status: criteria provided, single submitter. Criteria: ACMG Guidelines, 2015. Collection method: clinical testing. Allele origin: germline.

NM_000103.4(CYP19A1):c.724A>T (p.Lys242Ter)

Genes: CYP19A1 (cytochrome P450 family 19 subfamily A member 1; minus strand), MIR4713HG (MIR4713 host gene; plus strand), PIRC66 (piwi-interacting RNA cluster 66; plus strand). Cytogenetic location: 15q21.2.
Variant type: single nucleotide variant.
Coding change: c.724A>T on transcript NM_000103.4 (MANE Select); coding-DNA position 724, A replaced by T.
Protein change: p.Lys242Ter; replaces lysine 242 with a stop codon.
Molecular consequence: nonsense.
Genome position (GRCh38, 1-based): chr15:51,218,560, T>A on the plus strand (A>T on the coding strand, the complement: CYP19A1 is on the minus strand). VCF-style: chr15-51218560-T-A. GRCh37 (hg19) VCF-style: chr15-51510757-T-A.
Other names: c.724A>T (NM_031226.2); c.724A>T, p.Lys242Ter (NM_001347248.1, NM_001347249.2, NM_001347250.2 and 7 more transcripts); short protein forms K242*.
Identifiers: ClinVar variation 3577355 (VCV003577355.3).
Genomic context (GRCh38, chr15:51,218,560, plus strand): 5'-TCCAATTGTACTCATAAATCTTCCAAAGTTGTATTACTTACACAGACTTCTCATACTTTT[T>A]GTATAGCCAAGAAATCTTAAAGAAGATGTCTGGTTTGATGAGGAGAGCTTGCCATGCATC-3'